The following is an entry in ClinVar:

ClinVar aggregate classification (germline): Uncertain significance. Review status: criteria provided, multiple submitters, no conflicts (2 of 4 stars). 3 submissions from 3 submitters: Uncertain significance (3). Last evaluated 2025-11-14.

Conditions:
Hypertrophic cardiomyopathy 14. Identifiers: MedGen C2750467, MONDO:0013197, OMIM 613251.
Cardiomyopathy (CMYO). Also called: Cardiomyopathies. Identifiers: Orphanet 167848, MedGen C0878544, MONDO:0004994, HP:0001638. Inheritance: Various modes of inheritance.

Allele frequency attached by ClinVar (database versions not stated): gnomAD 0.00001; gnomAD exomes 0.00001 and below 0.00001; TOPMed 0.00002.
gnomAD v4.1: 21 of 1,609,838 alleles (0.0013%); highest among the groups gnomAD compares: Non-Finnish European, 0.0017%; no homozygotes.

Submissions (3):

GeneDx
Classification: Uncertain significance. Last evaluated: 2025-11-14. Review status: criteria provided, single submitter. Criteria: GeneDx Variant Classification Process June 2021. Collection method: clinical testing. Allele origin: germline. Affected: yes.
Comment: Not observed at significant frequency in large population cohorts (gnomAD); Canonical splice site variant in a gene or region of a gene for which loss of function is not a well-established mechanism of disease; Has not been previously published as pathogenic or benign to our knowledge

Labcorp Genetics (formerly Invitae), Labcorp
Classification: Uncertain significance for Hypertrophic cardiomyopathy 14. Last evaluated: 2025-05-14. Review status: criteria provided, single submitter. Criteria: Invitae Variant Classification Sherloc (09022015). Collection method: clinical testing. Allele origin: germline.
Comment: This sequence change affects an acceptor splice site in intron 8 of the MYH6 gene. It is expected to disrupt RNA splicing. Variants that disrupt the donor or acceptor splice site typically lead to a loss of protein function (PMID: 16199547), however the current clinical and genetic evidence is not sufficient to establish whether loss-of-function variants in MYH6 cause disease. The frequency data for this variant in the population databases is considered unreliable, as metrics indicate poor data quality at this position in the gnomAD database. This variant has not been reported in the literature in individuals affected with MYH6-related conditions. ClinVar contains an entry for this variant (Variation ID: 1329253). Algorithms developed to predict the effect of sequence changes on RNA splicing suggest that this variant may disrupt the consensus splice site. In summary, the available evidence is currently insufficient to determine the role of this variant in disease. Therefore, it has been classified as a Variant of Uncertain Significance.

CHEO Genetics Diagnostic Laboratory, Children's Hospital of Eastern Ontario
Classification: Uncertain significance for Cardiomyopathy. Last evaluated: 2020-06-24. Review status: criteria provided, single submitter. Criteria: ACMG Guidelines, 2015. Collection method: clinical testing. Allele origin: germline.

Literature cited by the submitters: PubMed 16199547 (cited by Labcorp Genetics (formerly Invitae), Labcorp).

NM_002471.4(MYH6):c.736-1G>A

Gene: MYH6 (myosin heavy chain 6; minus strand). Cytogenetic location: 14q11.2.
Variant type: single nucleotide variant.
Coding change: c.736-1G>A on transcript NM_002471.4 (MANE Select); the canonical splice acceptor site of the intron before coding-DNA position 736, G replaced by A.
Molecular consequence: splice acceptor variant.
Genome position (GRCh38, 1-based): chr14:23,403,779, C>T on the plus strand (G>A on the coding strand, the complement: MYH6 is on the minus strand). VCF-style: chr14-23403779-C-T. GRCh37 (hg19) VCF-style: chr14-23872988-C-T.
Identifiers: ClinVar variation 1329253 (VCV001329253.9), dbSNP rs915107695, ClinGen allele CA257796170.